The following is an entry in ClinVar:

NM_001365902.3(NFIX):c.67G>T (p.Val23Phe)

Gene: NFIX (nuclear factor I X; plus strand). Cytogenetic location: 19p13.13.
Variant type: single nucleotide variant.
Coding change: c.67G>T on transcript NM_001365902.3 (MANE Select); coding-DNA position 67, G replaced by T.
Protein change: p.Val23Phe; replaces valine 23 with phenylalanine.
Molecular consequence: missense variant. On other transcripts: 5 prime UTR variant (1).
Genome position (GRCh38, 1-based): chr19:13,025,060, G>T. VCF-style: chr19-13025060-G-T. GRCh37 (hg19) VCF-style: chr19-13135874-G-T.
Other names: c.91G>T, p.Val31Phe (NM_001271043.2); c.43G>T, p.Val15Phe (NM_001271044.3, NM_001378404.1); c.67G>T, p.Val23Phe (NM_001365982.2, NM_002501.4); c.-75G>T (NM_001365983.2); c.64G>T, p.Val22Phe (NM_001365984.2, NM_001365985.2); c.115G>T, p.Val39Phe (NM_001378405.1); short protein forms V15F, V22F, V23F, V31F, V39F.
Identifiers: ClinVar variation 3752854 (VCV003752854.2).

ClinVar aggregate classification (germline): Uncertain significance (1 of 4 stars; one submission).

Conditions:
Marshall-Smith syndrome (MRSHSS). Identifiers: Orphanet 561, MedGen C0265211, MONDO:0011244, OMIM 602535.
Malan overgrowth syndrome (MALNS). Also called: NFIX-Related Malan Syndrome; MALAN SYNDROME; Sotos syndrome 2. Identifiers: Orphanet 420179, MedGen C3553660, MONDO:0013885, OMIM 614753.

Submission:

Labcorp Genetics (formerly Invitae), Labcorp
Classification: Uncertain significance for Malan overgrowth syndrome; Marshall-Smith syndrome. Last evaluated: 2025-09-27. Review status: criteria provided, single submitter. Criteria: Invitae Variant Classification Sherloc (09022015). Collection method: clinical testing. Allele origin: germline.
Comment: This sequence change replaces valine, which is neutral and non-polar, with phenylalanine, which is neutral and non-polar, at codon 31 of the NFIX protein (p.Val31Phe). This variant is not present in population databases (gnomAD no frequency). This variant has not been reported in the literature in individuals affected with NFIX-related conditions. ClinVar contains an entry for this variant (Variation ID: 3752854). Experimental studies and prediction algorithms are not available or were not evaluated, and the functional significance of this variant is currently unknown. In summary, the available evidence is currently insufficient to determine the role of this variant in disease. Therefore, it has been classified as a Variant of Uncertain Significance.